The following is an entry in ClinVar:

ClinVar aggregate classification (germline): Uncertain significance. Review status: criteria provided, multiple submitters, no conflicts (2 of 4 stars). 4 submissions from 4 submitters: Uncertain significance (3). 1 of the submissions does not count toward it. Last evaluated 2024-02-13.

Conditions:
Alagille syndrome due to a NOTCH2 point mutation. Also called: Alagille syndrome 2. Identifiers: Orphanet 261629, Orphanet 52, MedGen C1857761, MONDO:0012439, OMIM 610205.
Hajdu-Cheney syndrome (HJCYS). Also called: ACROOSTEOLYSIS WITH OSTEOPOROSIS AND CHANGES IN SKULL AND MANDIBLE; SERPENTINE FIBULA-POLYCYSTIC KIDNEY SYNDROME; Acroosteolysis dominant type. Identifiers: Orphanet 955, MedGen C0917715, MONDO:0007057, OMIM 102500.
NOTCH2-related disorder. Also called: NOTCH2-related condition.

Allele frequency attached by ClinVar (database versions not stated): gnomAD exomes 0.00001 and 0.00002; ExAC 0.00002.
gnomAD v4.1: 9 of 1,613,362 alleles (0.00056%); highest among the groups gnomAD compares: Middle Eastern, 0.018%; no homozygotes.

Submissions (4):

Fulgent Genetics
Classification: Uncertain significance for Hajdu-Cheney syndrome; Alagille syndrome due to a NOTCH2 point mutation. Last evaluated: 2024-02-13. Review status: criteria provided, single submitter. Criteria: ACMG Guidelines, 2015. Collection method: clinical testing. Allele origin: germline.

Labcorp Genetics (formerly Invitae), Labcorp
Classification: Uncertain significance for Hajdu-Cheney syndrome. Last evaluated: 2020-02-21. Review status: criteria provided, single submitter. Criteria: Invitae Variant Classification Sherloc (09022015). Collection method: clinical testing. Allele origin: germline.
Comment: In summary, the available evidence is currently insufficient to determine the role of this variant in disease. Therefore, it has been classified as a Variant of Uncertain Significance. Algorithms developed to predict the effect of missense changes on protein structure and function (SIFT, PolyPhen-2, Align-GVGD) all suggest that this variant is likely to be disruptive, but these predictions have not been confirmed by published functional studies and their clinical significance is uncertain. This variant has not been reported in the literature in individuals with NOTCH2-related disease. This variant is present in population databases (rs748716440, ExAC 0.002%). This sequence change replaces arginine with cysteine at codon 1911 of the NOTCH2 protein (p.Arg1911Cys). The arginine residue is highly conserved and there is a large physicochemical difference between arginine and cysteine.

CeGaT Center for Human Genetics Tuebingen
Classification: Uncertain significance. Last evaluated: 2018-07-01. Review status: criteria provided, single submitter. Criteria: CeGaT Center For Human Genetics Tuebingen Variant Classification Criteria Version 2. Collection method: clinical testing. Allele origin: germline. Affected: yes. Observed: 1 variant allele.

PreventionGenetics, part of Exact Sciences
Classification: Uncertain significance for NOTCH2-related condition. Last evaluated: 2024-07-29. Review status: no assertion criteria provided. Collection method: clinical testing. Allele origin: germline. Not counted in ClinVar's aggregate classification.
Comment: The NOTCH2 c.5731C>T variant is predicted to result in the amino acid substitution p.Arg1911Cys. To our knowledge, this variant has not been reported in the literature. This variant is reported in 0.0046% of alleles in individuals of European (Finnish) descent in gnomAD. At this time, the clinical significance of this variant is uncertain due to the absence of conclusive functional and genetic evidence.

NM_024408.4(NOTCH2):c.5731C>T (p.Arg1911Cys)

Gene: NOTCH2 (notch receptor 2; minus strand). Cytogenetic location: 1p12.
Variant type: single nucleotide variant.
Coding change: c.5731C>T on transcript NM_024408.4 (MANE Select); coding-DNA position 5731, C replaced by T.
Protein change: p.Arg1911Cys; replaces arginine 1911 with cysteine.
Molecular consequence: missense variant.
Genome position (GRCh38, 1-based): chr1:119,919,362, G>A on the plus strand (C>T on the coding strand, the complement: NOTCH2 is on the minus strand). VCF-style: chr1-119919362-G-A. GRCh37 (hg19) VCF-style: chr1-120461985-G-A.
Other names: short protein forms R1911C.
Identifiers: ClinVar variation 623701 (VCV000623701.52), dbSNP rs748716440, ClinGen allele CA1039578.